The following is an entry in ClinVar:

ClinVar aggregate classification (germline): Uncertain significance. Review status: criteria provided, multiple submitters, no conflicts (2 of 4 stars). 2 submissions from 2 submitters: Uncertain significance (2). Last evaluated 2025-07-14.

Conditions:
Inborn genetic diseases. Identifiers: MedGen C0950123, MeSH D030342.

Allele frequency attached by ClinVar (database versions not stated): TOPMed below 0.00001; gnomAD exomes 0.00001; ExAC 0.00002.
gnomAD v4.1: 16 of 1,613,454 alleles (0.00099%); highest among the groups gnomAD compares: Admixed American, 0.0083%; no homozygotes.

Submissions (2):

Ambry Genetics
Classification: Uncertain significance for Inborn genetic diseases. Last evaluated: 2025-07-14. Review status: criteria provided, single submitter. Criteria: Ambry Variant Classification Scheme 2023. Collection method: clinical testing. Allele origin: germline.

Labcorp Genetics (formerly Invitae), Labcorp
Classification: Uncertain significance. Last evaluated: 2022-06-08. Review status: criteria provided, single submitter. Criteria: Invitae Variant Classification Sherloc (09022015). Collection method: clinical testing. Allele origin: germline.
Comment: This sequence change replaces valine, which is neutral and non-polar, with methionine, which is neutral and non-polar, at codon 235 of the TUBGCP6 protein (p.Val235Met). This variant is present in population databases (rs752570081, gnomAD 0.006%). This variant has not been reported in the literature in individuals affected with TUBGCP6-related conditions. Algorithms developed to predict the effect of missense changes on protein structure and function output the following: SIFT: "Tolerated"; PolyPhen-2: "Benign"; Align-GVGD: "Class C0". The methionine amino acid residue is found in multiple mammalian species, which suggests that this missense change does not adversely affect protein function. In summary, the available evidence is currently insufficient to determine the role of this variant in disease. Therefore, it has been classified as a Variant of Uncertain Significance.

NM_020461.4(TUBGCP6):c.703G>A (p.Val235Met)

Gene: TUBGCP6 (tubulin gamma complex component 6; minus strand). Cytogenetic location: 22q13.33.
Variant type: single nucleotide variant.
Coding change: c.703G>A on transcript NM_020461.4 (MANE Select); coding-DNA position 703, G replaced by A.
Protein change: p.Val235Met; replaces valine 235 with methionine.
Molecular consequence: missense variant.
Genome position (GRCh38, 1-based): chr22:50,243,757, C>T on the plus strand (G>A on the coding strand, the complement: TUBGCP6 is on the minus strand). VCF-style: chr22-50243757-C-T. GRCh37 (hg19) VCF-style: chr22-50682186-C-T.
Other names: c.703G>A (NM_020461.3); short protein forms V235M.
Identifiers: ClinVar variation 2187513 (VCV002187513.2), dbSNP rs752570081, ClinGen allele CA10308994.